The following is an entry in ClinVar:

ClinVar aggregate classification (germline): Likely pathogenic. Review status: criteria provided, multiple submitters, no conflicts (2 of 4 stars). 3 submissions from 3 submitters: Likely pathogenic (3). Last evaluated 2024-06-14.

Conditions:
Hermansky-Pudlak syndrome (HPS). Also called: ALBINISM WITH HEMORRHAGIC DIATHESIS AND PIGMENTED RETICULOENDOTHELIAL CELLS. Identifiers: Orphanet 79430, MedGen C0079504, MONDO:0019312.
Hermansky-Pudlak syndrome 5 (HPS5). Identifiers: Orphanet 231512, Orphanet 79430, MedGen C3888004, MONDO:0013557, OMIM 614074.

Submissions (3):

Fulgent Genetics
Classification: Likely pathogenic for Hermansky-Pudlak syndrome 5. Last evaluated: 2024-06-14. Review status: criteria provided, single submitter. Criteria: ACMG Guidelines, 2015. Collection method: clinical testing. Allele origin: germline.

Labcorp Genetics (formerly Invitae), Labcorp
Classification: Likely pathogenic. Last evaluated: 2023-06-23. Review status: criteria provided, single submitter. Criteria: Invitae Variant Classification Sherloc (09022015). Collection method: clinical testing. Allele origin: germline.
Comment: This sequence change affects a donor splice site in intron 19 of the HPS5 gene. It is expected to disrupt RNA splicing. Variants that disrupt the donor or acceptor splice site typically lead to a loss of protein function (PMID: 16199547), and loss-of-function variants in HPS5 are known to be pathogenic (PMID: 12548288, 15296495, 21833017, 26785811). This variant is not present in population databases (gnomAD no frequency). This variant has not been reported in the literature in individuals affected with HPS5-related conditions. ClinVar contains an entry for this variant (Variation ID: 1704626). Algorithms developed to predict the effect of sequence changes on RNA splicing suggest that this variant may disrupt the consensus splice site. In summary, the currently available evidence indicates that the variant is pathogenic, but additional data are needed to prove that conclusively. Therefore, this variant has been classified as Likely Pathogenic.

Women's Health and Genetics/Laboratory Corporation of America, LabCorp
Classification: Likely pathogenic for Hermansky-Pudlak syndrome. Last evaluated: 2022-07-08. Review status: criteria provided, single submitter. Criteria: LabCorp Variant Classification Summary - May 2015. Collection method: clinical testing. Allele origin: germline.
Comment: Variant summary: HPS5 c.2837+1G>A is located in a canonical splice-site and is predicted to affect mRNA splicing resulting in a significantly altered protein due to either exon skipping, shortening, or inclusion of intronic material. Several computational tools predict a significant impact on normal splicing: Four predict the variant abolishes a 5' splicing donor site. However, these predictions have yet to be confirmed by functional studies. The variant was absent in 251382 control chromosomes (gnomAD). To our knowledge, no occurrence of c.2837+1G>A in individuals affected with Hermansky-Pudlak Syndrome and no experimental evidence demonstrating its impact on protein function have been reported. No clinical diagnostic laboratories have submitted clinical-significance assessments for this variant to ClinVar after 2014. Based on the evidence outlined above, the variant was classified as likely pathogenic.

Literature cited by the submitters: PubMed 16199547 (cited by Labcorp Genetics (formerly Invitae), Labcorp); PubMed 12548288 (cited by Labcorp Genetics (formerly Invitae), Labcorp); PubMed 15296495 (cited by Labcorp Genetics (formerly Invitae), Labcorp); PubMed 21833017 (cited by Labcorp Genetics (formerly Invitae), Labcorp); PubMed 26785811 (cited by Labcorp Genetics (formerly Invitae), Labcorp).

NM_181507.2(HPS5):c.2837+1G>A

Gene: HPS5 (HPS5 biogenesis of lysosomal organelles complex 2 subunit 2; minus strand). Cytogenetic location: 11p15.1.
Variant type: single nucleotide variant.
Coding change: c.2837+1G>A on transcript NM_181507.2 (MANE Select); the canonical splice donor site of the intron after coding-DNA position 2837, G replaced by A.
Molecular consequence: splice donor variant. On other transcripts: intron variant (2).
Genome position (GRCh38, 1-based): chr11:18,286,590, C>T on the plus strand (G>A on the coding strand, the complement: HPS5 is on the minus strand). VCF-style: chr11-18286590-C-T. GRCh37 (hg19) VCF-style: chr11-18308137-C-T.
Other names: c.2423+1G>A (NM_001440929.1, NM_001440928.1, NM_001440927.1); c.2495+1G>A (NM_181508.2, NM_001440921.1, NM_001440926.1 and 6 more transcripts); c.2726+1G>A (NM_001440915.1, NM_001440914.1, NM_001440913.1); c.1982+1G>A (NM_001440931.1); c.2681+1G>A (NM_001440917.1); c.2837+1G>A (NM_001440906.1, NM_001440905.1, NM_001440903.1 and 2 more transcripts); c.2762+1G>A (NM_001440907.1, NM_001440909.1, NM_001440908.1); c.2375+945G>A (NM_001440930.1); and 3 more.
Identifiers: ClinVar variation 1704626 (VCV001704626.7), dbSNP rs1253458479, ClinGen allele CA379516317.